The following is an entry in ClinVar:

NM_000271.5(NPC1):c.2020_2021del (p.Val674fs)

Gene: NPC1 (NPC intracellular cholesterol transporter 1; minus strand). Cytogenetic location: 18q11.2.
Variant type: Microsatellite.
Coding change: c.2020_2021del on transcript NM_000271.5 (MANE Select); coding-DNA positions 2020 to 2021, 2 bases deleted (GT; older notation c.2020_2021delGT).
Protein change: p.Val674fs; shifts the reading frame from valine 674.
Molecular consequence: frameshift variant.
Genome position (GRCh38, 1-based): chr18:23,544,453-23,544,454, AC deleted on the plus strand (GT on the coding strand, the reverse complement: NPC1 is on the minus strand); deleting any 2 consecutive bases within chr18:23,544,453-23,544,456 gives the same sequence; the c. name uses the placement nearest the transcript's 3' end. VCF-style (leftmost placement, unchanged base first): chr18-23544452-GAC-G. GRCh37 (hg19) VCF-style: chr18-21124416-GAC-G.
Other names: short protein forms V674fs.
Identifiers: ClinVar variation 4754264 (VCV004754264.1).

ClinVar aggregate classification (germline): Pathogenic (1 of 4 stars; one submission).

Conditions:
Niemann-Pick disease, type C1. Also called: NIEMANN-PICK DISEASE, VARIANT TYPE C1; NEUROVISCERAL STORAGE DISEASE WITH VERTICAL SUPRANUCLEAR OPHTHALMOPLEGIA; NIEMANN-PICK DISEASE WITH CHOLESTEROL ESTERIFICATION BLOCK; NIEMANN-PICK DISEASE WITHOUT SPHINGOMYELINASE DEFICIENCY; NIEMANN-PICK DISEASE, CHRONIC NEURONOPATHIC FORM. Identifiers: Orphanet 646, MedGen C3179455, MONDO:0009757, OMIM 257220.

Submission:

Labcorp Genetics (formerly Invitae), Labcorp
Classification: Pathogenic for Niemann-Pick disease, type C1. Last evaluated: 2026-02-02. Review status: criteria provided, single submitter. Criteria: Invitae Variant Classification Sherloc (09022015). Collection method: clinical testing. Allele origin: germline.
Comment: This sequence change creates a premature translational stop signal (p.Val674Leufs*14) in the NPC1 gene. It is expected to result in an absent or disrupted protein product. Loss-of-function variants in NPC1 are known to be pathogenic (PMID: 9211850). This variant is present in population databases (rs769114894, gnomAD 0.0009%). This variant has not been reported in the literature in individuals affected with NPC1-related conditions. For these reasons, this variant has been classified as Pathogenic.

Literature cited by the submitters: PubMed 9211850.